The following is an entry in ClinVar:

NM_173076.3(ABCA12):c.3782C>G (p.Ser1261Cys)

Gene: ABCA12 (ATP binding cassette subfamily A member 12; minus strand). Cytogenetic location: 2q35.
Variant type: single nucleotide variant.
Coding change: c.3782C>G on transcript NM_173076.3 (MANE Select); coding-DNA position 3782, C replaced by G.
Protein change: p.Ser1261Cys; replaces serine 1261 with cysteine.
Molecular consequence: missense variant. On other transcripts: non-coding transcript variant (1).
Genome position (GRCh38, 1-based): chr2:214,989,376, G>C on the plus strand (C>G on the coding strand, the complement: ABCA12 is on the minus strand). VCF-style: chr2-214989376-G-C. GRCh37 (hg19) VCF-style: chr2-215854100-G-C.
Other names: c.2828C>G, p.Ser943Cys (NM_015657.4); short protein forms S1261C, S943C.
Identifiers: ClinVar variation 1307381 (VCV001307381.2), dbSNP rs751192243, ClinGen allele CA350467287.

ClinVar aggregate classification (germline): Uncertain significance (1 of 4 stars; one submission).

Submission:

GeneDx
Classification: Uncertain significance. Last evaluated: 2019-08-06. Review status: criteria provided, single submitter. Criteria: GeneDx Variant Classification Process June 2021. Collection method: clinical testing. Allele origin: germline. Affected: yes.
Comment: Not observed in large population cohorts (Lek et al., 2016); In silico analysis, which includes protein predictors and evolutionary conservation, supports a deleterious effect; Has not been previously published as pathogenic or benign to our knowledge